The following is an entry in ClinVar:

NM_000489.6(ATRX):c.7104A>C (p.Gln2368His)

Gene: ATRX (ATRX chromatin remodeler; minus strand). Cytogenetic location: Xq21.1.
Variant type: single nucleotide variant.
Coding change: c.7104A>C on transcript NM_000489.6 (MANE Select); coding-DNA position 7104, A replaced by C.
Protein change: p.Gln2368His; replaces glutamine 2368 with histidine.
Molecular consequence: missense variant.
Genome position (GRCh38, 1-based): chrX:77,520,884, T>G on the plus strand (A>C on the coding strand, the complement: ATRX is on the minus strand). VCF-style: chrX-77520884-T-G. GRCh37 (hg19) VCF-style: chrX-76776362-T-G.
Other names: c.6990A>C, p.Gln2330His (NM_138270.5); short protein forms Q2330H, Q2368H.
Identifiers: ClinVar variation 1697161 (VCV001697161.2), dbSNP rs2147737907, ClinGen allele CA413707341.

ClinVar aggregate classification (germline): Uncertain significance (1 of 4 stars; one submission).

Submission:

GeneDx
Classification: Uncertain significance. Last evaluated: 2022-01-18. Review status: criteria provided, single submitter. Criteria: GeneDx Variant Classification Process June 2021. Collection method: clinical testing. Allele origin: germline. Affected: yes.
Comment: Not observed at significant frequency in large population cohorts (gnomAD); In silico analysis supports that this missense variant does not alter protein structure/function; Has not been previously published as pathogenic or benign to our knowledge